The following is an entry in ClinVar:

ClinVar aggregate classification (germline): Uncertain significance (1 of 4 stars; one submission).

Conditions:
Developmental and epileptic encephalopathy, 12 (DEE12). Identifiers: MedGen C3150988, MONDO:0013389, OMIM 613722.

Allele frequency attached by ClinVar (database versions not stated): gnomAD exomes below 0.00001; TOPMed below 0.00001.
gnomAD v4.1: 3 of 1,613,694 alleles (0.00019%); highest among the groups gnomAD compares: Non-Finnish European, 0.00017%; no homozygotes.

Submission:

Labcorp Genetics (formerly Invitae), Labcorp
Classification: Uncertain significance for Developmental and epileptic encephalopathy, 12. Last evaluated: 2023-02-10. Review status: criteria provided, single submitter. Criteria: Invitae Variant Classification Sherloc (09022015). Collection method: clinical testing. Allele origin: germline.
Comment: In summary, the available evidence is currently insufficient to determine the role of this variant in disease. Therefore, it has been classified as a Variant of Uncertain Significance. Advanced modeling of protein sequence and biophysical properties (such as structural, functional, and spatial information, amino acid conservation, physicochemical variation, residue mobility, and thermodynamic stability) performed at Invitae indicates that this missense variant is not expected to disrupt PNKP protein function. This variant has not been reported in the literature in individuals affected with PNKP-related conditions. This variant is not present in population databases (gnomAD no frequency). This sequence change replaces glycine, which is neutral and non-polar, with arginine, which is basic and polar, at codon 512 of the PNKP protein (p.Gly512Arg).

NM_007254.4(PNKP):c.1534G>A (p.Gly512Arg)

Gene: PNKP (polynucleotide kinase 3'-phosphatase; minus strand). Cytogenetic location: 19q13.33.
Variant type: single nucleotide variant.
Coding change: c.1534G>A on transcript NM_007254.4 (MANE Select); coding-DNA position 1534, G replaced by A.
Protein change: p.Gly512Arg; replaces glycine 512 with arginine.
Molecular consequence: missense variant.
Genome position (GRCh38, 1-based): chr19:49,861,280, C>T on the plus strand (G>A on the coding strand, the complement: PNKP is on the minus strand). VCF-style: chr19-49861280-C-T. GRCh37 (hg19) VCF-style: chr19-50364537-C-T.
Other names: short protein forms G512R.
Identifiers: ClinVar variation 2060236 (VCV002060236.4), dbSNP rs2074752931, ClinGen allele CA406932405.